The following is an entry in ClinVar:

ClinVar aggregate classification (germline): Uncertain significance (1 of 4 stars; one submission).

Submission:

Labcorp Genetics (formerly Invitae), Labcorp
Classification: Uncertain significance. Last evaluated: 2025-02-26. Review status: criteria provided, single submitter. Criteria: Invitae Variant Classification Sherloc (09022015). Collection method: clinical testing. Allele origin: germline.
Comment: This sequence change replaces glutamine, which is neutral and polar, with leucine, which is neutral and non-polar, at codon 163 of the RAI1 protein (p.Gln163Leu). This variant is not present in population databases (gnomAD no frequency). This variant has not been reported in the literature in individuals affected with RAI1-related conditions. Invitae Evidence Modeling of protein sequence and biophysical properties (such as structural, functional, and spatial information, amino acid conservation, physicochemical variation, residue mobility, and thermodynamic stability) indicates that this missense variant is not expected to disrupt RAI1 protein function with a negative predictive value of 80%. In summary, the available evidence is currently insufficient to determine the role of this variant in disease. Therefore, it has been classified as a Variant of Uncertain Significance.

NM_030665.4(RAI1):c.488A>T (p.Gln163Leu)

Gene: RAI1 (retinoic acid induced 1; plus strand). Cytogenetic location: 17p11.2.
Variant type: single nucleotide variant.
Coding change: c.488A>T on transcript NM_030665.4 (MANE Select); coding-DNA position 488, A replaced by T.
Protein change: p.Gln163Leu; replaces glutamine 163 with leucine.
Molecular consequence: missense variant.
Genome position (GRCh38, 1-based): chr17:17,793,436, A>T. VCF-style: chr17-17793436-A-T. GRCh37 (hg19) VCF-style: chr17-17696750-A-T.
Other names: short protein forms Q163L.
Identifiers: ClinVar variation 4803422 (VCV004803422.1).